The following is an entry in ClinVar:

ClinVar aggregate classification (germline): Pathogenic/Likely pathogenic. Review status: criteria provided, multiple submitters, no conflicts (2 of 4 stars). 2 submissions from 2 submitters: Pathogenic (1); Likely pathogenic (1). Last evaluated 2026-02-13.

Conditions:
Hereditary cancer-predisposing syndrome. Also called: Neoplastic Syndromes, Hereditary; Tumor predisposition; Hereditary Cancer Syndrome; Hereditary neoplastic syndrome. Identifiers: Orphanet 140162, MedGen C0027672, MeSH D009386, MONDO:0015356.

Submissions (2):

Ambry Genetics
Classification: Pathogenic for Hereditary cancer-predisposing syndrome. Last evaluated: 2026-02-13. Review status: criteria provided, single submitter. Criteria: Ambry Variant Classification Scheme 2023. Collection method: clinical testing. Allele origin: germline.
Comment: The c.689_692delTGGC pathogenic mutation, located in coding exon 8 of the RAD51D gene, results from a deletion of 4 nucleotides at nucleotide positions 689 to 692, causing a translational frameshift with a predicted alternate stop codon (p.L230Pfs*4). This variant is considered to be rare based on population cohorts in the Genome Aggregation Database (gnomAD). This alteration is expected to result in loss of function by premature protein truncation or nonsense-mediated mRNA decay. As such, this alteration is interpreted as a disease-causing mutation.

Quest Diagnostics Nichols Institute San Juan Capistrano
Classification: Likely pathogenic. Last evaluated: 2025-06-19. Review status: criteria provided, single submitter. Criteria: Quest Diagnostics criteria. Collection method: clinical testing. Allele origin: unknown.
Comment: The RAD51D c.689_692del (p.Leu230Profs*4) variant alters the translational reading frame of the RAD51D mRNA and is predicted to cause the premature termination of RAD51D protein synthesis. This variant has not been reported in individuals with RAD51D-related conditions in the published literature. This variant has not been reported in large, multi-ethnic general populations (Genome Aggregation Database). Based on the available information, this variant is classified as likely pathogenic.

NM_002878.4(RAD51D):c.689_692del (p.Leu230fs)

Genes: RAD51D (RAD51 paralog D; minus strand), RAD51L3-RFFL (RAD51L3-RFFL readthrough; minus strand). Cytogenetic location: 17q12.
Variant type: Deletion.
Coding change: c.689_692del on transcript NM_002878.4 (MANE Select); coding-DNA positions 689 to 692, 4 bases deleted (TGGC; older notation c.689_692delTGGC).
Protein change: p.Leu230fs; shifts the reading frame from leucine 230.
Molecular consequence: frameshift variant. On other transcripts: non-coding transcript variant (3).
Genome position (GRCh38, 1-based): chr17:35,103,300-35,103,303, GCCA deleted on the plus strand (TGGC on the coding strand, the reverse complement: RAD51D is on the minus strand); deleting any 4 consecutive bases within chr17:35,103,300-35,103,305 gives the same sequence; the c. name uses the placement nearest the transcript's 3' end. VCF-style (leftmost placement, unchanged base first): chr17-35103299-GGCCA-G. GRCh37 (hg19) VCF-style: chr17-33430318-GGCCA-G.
Other names: c.749_752del, p.Leu250fs (NM_001142571.2); c.687_690delGCTG, p.Leu230Profs (NM_002878.3); c.353_356del, p.Leu118fs (NM_133629.3); c.689_692delTGGC (NM_002878.3); short protein forms L118fs, L230fs, L250fs.
Identifiers: ClinVar variation 4533058 (VCV004533058.2).
Genomic context (GRCh38, chr17:35,103,299, plus strand): 5'-AGCCTGCTTCCTCACCACCACTGCCATGCCAAGGTCCCGGGCCAGGGTCTTCAGCTCTCG[GGCCA>G]GCTGCATCATCAAGGCCAAGCCTGCAGGAGGAGGAGAAGCAGAGAGGGAGGGCAGTGGGG-3'